The following is an entry in ClinVar:

NM_000528.4(MAN2B1):c.282C>A (p.His94Gln)

Gene: MAN2B1 (mannosidase alpha class 2B member 1; minus strand). Cytogenetic location: 19p13.13.
Variant type: single nucleotide variant.
Coding change: c.282C>A on transcript NM_000528.4 (MANE Select); coding-DNA position 282, C replaced by A.
Protein change: p.His94Gln; replaces histidine 94 with glutamine.
Molecular consequence: missense variant.
Genome position (GRCh38, 1-based): chr19:12,665,506, G>T on the plus strand (C>A on the coding strand, the complement: MAN2B1 is on the minus strand). VCF-style: chr19-12665506-G-T. GRCh37 (hg19) VCF-style: chr19-12776320-G-T.
Other names: c.282C>A, p.His94Gln (NM_001173498.2); short protein forms H94Q.
Identifiers: ClinVar variation 1991374 (VCV001991374.1), dbSNP rs766810849, ClinGen allele CA404257412.

ClinVar aggregate classification (germline): Uncertain significance (1 of 4 stars; one submission).

Conditions:
Deficiency of alpha-mannosidase (MANSA). Also called: Mannosidosis, alpha-, types I and II; LYSOSOMAL ALPHA-D-MANNOSIDASE DEFICIENCY; Alpha-Mannosidosis. Identifiers: Orphanet 61, MedGen C0024748, MONDO:0009561, OMIM 248500.

gnomAD v4.1: 1 of 1,614,180 alleles (0.000062%); highest among the groups gnomAD compares: South Asian, 0.0011%; no homozygotes.

Submission:

Labcorp Genetics (formerly Invitae), Labcorp
Classification: Uncertain significance for Deficiency of alpha-mannosidase. Last evaluated: 2022-02-23. Review status: criteria provided, single submitter. Criteria: Invitae Variant Classification Sherloc (09022015). Collection method: clinical testing. Allele origin: germline.
Comment: This sequence change replaces histidine, which is basic and polar, with glutamine, which is neutral and polar, at codon 94 of the MAN2B1 protein (p.His94Gln). This variant is not present in population databases (gnomAD no frequency). This variant has not been reported in the literature in individuals affected with MAN2B1-related conditions. Algorithms developed to predict the effect of missense changes on protein structure and function output the following: SIFT: "Tolerated"; PolyPhen-2: "Benign"; Align-GVGD: "Class C0". The glutamine amino acid residue is found in multiple mammalian species, which suggests that this missense change does not adversely affect protein function. In summary, the available evidence is currently insufficient to determine the role of this variant in disease. Therefore, it has been classified as a Variant of Uncertain Significance.